The following is an entry in ClinVar:

NM_001358530.2(MOCS1):c.1069G>T (p.Ala357Ser)

Gene: MOCS1 (molybdenum cofactor synthesis 1; minus strand). Cytogenetic location: 6p21.2.
Variant type: single nucleotide variant.
Coding change: c.1069G>T on transcript NM_001358530.2 (MANE Select); coding-DNA position 1069, G replaced by T.
Protein change: p.Ala357Ser; replaces alanine 357 with serine.
Molecular consequence: missense variant. On other transcripts: non-coding transcript variant (1).
Genome position (GRCh38, 1-based): chr6:39,909,868, C>A on the plus strand (G>T on the coding strand, the complement: MOCS1 is on the minus strand). VCF-style: chr6-39909868-C-A. GRCh37 (hg19) VCF-style: chr6-39877612-C-A.
Other names: c.808G>T, p.Ala270Ser (NM_001358531.2, NM_001358533.2, NM_001358534.2); c.1069G>T, p.Ala357Ser (NM_005943.6, NM_001075098.4, NM_001358529.2); short protein forms A270S, A357S.
Identifiers: ClinVar variation 1424934 (VCV001424934.5), dbSNP rs1318933448, ClinGen allele CA364042150.

ClinVar aggregate classification (germline): Uncertain significance (1 of 4 stars; one submission).

Conditions:
Sulfite oxidase deficiency due to molybdenum cofactor deficiency type A. Also called: Molybdenum cofactor deficiency, complementation group A; Molybdenum Cofactor Deficiency A. Identifiers: Orphanet 308386, Orphanet 833, MedGen C1854988, MONDO:0009643, OMIM 252150.

Submission:

Labcorp Genetics (formerly Invitae), Labcorp
Classification: Uncertain significance for Sulfite oxidase deficiency due to molybdenum cofactor deficiency type A. Last evaluated: 2021-08-14. Review status: criteria provided, single submitter. Criteria: Invitae Variant Classification Sherloc (09022015). Collection method: clinical testing. Allele origin: germline.
Comment: This sequence change replaces alanine with serine at codon 357 of the MOCS1 protein (p.Ala357Ser). The alanine residue is highly conserved and there is a moderate physicochemical difference between alanine and serine. This variant is not present in population databases (ExAC no frequency). This variant has not been reported in the literature in individuals affected with MOCS1-related conditions. Algorithms developed to predict the effect of missense changes on protein structure and function (SIFT, PolyPhen-2, Align-GVGD) all suggest that this variant is likely to be tolerated. In summary, the available evidence is currently insufficient to determine the role of this variant in disease. Therefore, it has been classified as a Variant of Uncertain Significance.